The following is an entry in ClinVar:

NM_002474.3(MYH11):c.4203C>T (p.Ile1401=)

Genes: MYH11 (myosin heavy chain 11; minus strand), NDE1 (nudE neurodevelopment protein 1; plus strand). Cytogenetic location: 16p13.11.
Variant type: single nucleotide variant.
Coding change: c.4203C>T on transcript NM_002474.3 (MANE Select); coding-DNA position 4203, C replaced by T.
Protein change: p.Ile1401=; no amino-acid change (isoleucine 1401 retained).
Molecular consequence: synonymous variant. On other transcripts: 3 prime UTR variant (2).
Genome position (GRCh38, 1-based): chr16:15,724,323, G>A on the plus strand (C>T on the coding strand, the complement: MYH11 is on the minus strand). VCF-style: chr16-15724323-G-A. GRCh37 (hg19) VCF-style: chr16-15818180-G-A.
Other names: c.4224C>T, p.Ile1408= (NM_001040114.2, NM_001040113.2); c.4203C>T, p.Ile1401= (NM_022844.3); c.*72G>A (NM_001143979.2, NM_017668.3).
Identifiers: ClinVar variation 506597 (VCV000506597.24), dbSNP rs760611400, ClinGen allele CA7921737.

ClinVar aggregate classification (germline): Benign/Likely benign. Review status: criteria provided, multiple submitters, no conflicts (2 of 4 stars). 7 submissions from 7 submitters: Benign (4); Likely benign (3). Last evaluated 2026-01-26.

Conditions:
Familial thoracic aortic aneurysm and aortic dissection (TAAD). Also called: Thoracic aortic aneurysms and dissections. Identifiers: Orphanet 91387, MedGen C4707243, MONDO:0019625.
Aortic aneurysm, familial thoracic 4 (AAT4). Also called: AORTIC ANEURYSM/AORTIC DISSECTION AND PATENT DUCTUS ARTERIOSUS. Identifiers: MedGen C1851504, MONDO:0007568, OMIM 132900.

Allele frequency attached by ClinVar (database versions not stated): TOPMed 0.00002; gnomAD 0.00057.
gnomAD v4.1: 154 of 1,613,970 alleles (0.0095%); highest among the groups gnomAD compares: South Asian, 0.016%; no homozygotes.

Submissions (7):

Labcorp Genetics (formerly Invitae), Labcorp
Classification: Benign for Aortic aneurysm, familial thoracic 4. Last evaluated: 2026-01-26. Review status: criteria provided, single submitter. Criteria: Invitae Variant Classification Sherloc (09022015). Collection method: clinical testing. Allele origin: germline.

Blueprint Genetics
Classification: Likely benign. Last evaluated: 2024-07-26. Review status: criteria provided, single submitter. Criteria: ACMG Guidelines, 2015. Collection method: clinical testing. Allele origin: germline.

All of Us Research Program, National Institutes of Health
Classification: Benign for Familial thoracic aortic aneurysm and aortic dissection. Last evaluated: 2024-02-05. Review status: criteria provided, single submitter. Criteria: ACMG Guidelines, 2015. Collection method: clinical testing. Allele origin: germline. Inheritance: Autosomal dominant inheritance. Observed: 5 variant alleles, 5 heterozygotes.
Comment: This study involves interpretation of variants in research participants for the purpose of population health screening. Participant phenotype was not available at the time of variant classification. Additional details can be found in publication PMID: 35346344, PMCID: PMC8962531

Ambry Genetics
Classification: Likely benign for Familial thoracic aortic aneurysm and aortic dissection. Last evaluated: 2023-02-23. Review status: criteria provided, single submitter. Criteria: Ambry Variant Classification Scheme 2023. Collection method: clinical testing. Allele origin: germline.

ARUP Laboratories, Molecular Genetics and Genomics, ARUP Laboratories
Classification: Benign. Last evaluated: 2022-01-27. Review status: criteria provided, single submitter. Criteria: ARUP Molecular Germline Variant Investigation Process 2021. Collection method: clinical testing. Allele origin: germline.

Color Diagnostics, LLC DBA Color Health
Classification: Benign for Familial thoracic aortic aneurysm and aortic dissection. Last evaluated: 2018-10-30. Review status: criteria provided, single submitter. Criteria: ACMG Guidelines, 2015. Collection method: clinical testing. Allele origin: germline.

GeneDx
Classification: Likely benign. Last evaluated: 2017-09-05. Review status: criteria provided, single submitter. Criteria: GeneDx Variant Classification (06012015). Collection method: clinical testing. Allele origin: germline. Affected: yes.
Comment: This variant is considered likely benign or benign based on one or more of the following criteria: it is a conservative change, it occurs at a poorly conserved position in the protein, it is predicted to be benign by multiple in silico algorithms, and/or has population frequency not consistent with disease.